The following is an entry in ClinVar:

ClinVar aggregate classification (germline): Likely benign (1 of 4 stars; one submission).

Submission:

GeneDx
Classification: Likely benign. Last evaluated: 2017-06-06. Review status: criteria provided, single submitter. Criteria: GeneDx Variant Classification (06012015). Collection method: clinical testing. Allele origin: germline. Affected: yes.
Comment: This variant is considered likely benign or benign based on one or more of the following criteria: it is a conservative change, it occurs at a poorly conserved position in the protein, it is predicted to be benign by multiple in silico algorithms, and/or has population frequency not consistent with disease.

NM_000891.3(KCNJ2):c.-235G>A

Gene: KCNJ2 (potassium inwardly rectifying channel subfamily J member 2; plus strand). Cytogenetic location: 17q24.3.
Variant type: single nucleotide variant.
Coding change: c.-235G>A on transcript NM_000891.3 (MANE Select); 235 bases upstream of the start codon, G replaced by A.
Molecular consequence: 5 prime UTR variant.
Genome position (GRCh38, 1-based): chr17:70,169,683, G>A. VCF-style: chr17-70169683-G-A. GRCh37 (hg19) VCF-style: chr17-68165824-G-A.
Identifiers: ClinVar variation 517924 (VCV000517924.1), dbSNP rs1555603422, ClinGen allele CA658798963.